The following is an entry in ClinVar:

NM_006204.4(PDE6C):c.2504GAG[1] (p.Gly836del)

Gene: PDE6C (phosphodiesterase 6C; plus strand). Cytogenetic location: 10q23.33.
Variant type: Microsatellite.
Coding change: c.2504GAG[1] on transcript NM_006204.4 (MANE Select); one copy of the 3-base unit GAG starting at c.2504; the reference has two copies in a row; one copy, 3 bases deleted.
Protein change: p.Gly836del; deletes glycine 836.
Molecular consequence: inframe deletion.
Genome position (GRCh38, 1-based): chr10:93,663,167-93,663,169, GAG deleted; deleting any 3 consecutive bases within chr10:93,663,162-93,663,169 gives the same sequence; the position shown is the placement nearest the transcript's 3' end. VCF-style (leftmost placement, unchanged base first): chr10-93663161-AAGG-A. GRCh37 (hg19) VCF-style: chr10-95422918-AAGG-A.
Other names: short protein forms G836del.
Identifiers: ClinVar variation 2109409 (VCV002109409.4), dbSNP rs1589707365, ClinGen allele CA918735483.

ClinVar aggregate classification (germline): Uncertain significance (1 of 4 stars; one submission).

Submission:

Labcorp Genetics (formerly Invitae), Labcorp
Classification: Uncertain significance. Last evaluated: 2022-03-11. Review status: criteria provided, single submitter. Criteria: Invitae Variant Classification Sherloc (09022015). Collection method: clinical testing. Allele origin: germline.
Comment: In summary, the available evidence is currently insufficient to determine the role of this variant in disease. Therefore, it has been classified as a Variant of Uncertain Significance. Experimental studies and prediction algorithms are not available or were not evaluated, and the functional significance of this variant is currently unknown. This variant, c.2507_2509del, results in the deletion of 1 amino acid(s) of the PDE6C protein (p.Gly836del), but otherwise preserves the integrity of the reading frame. This variant is not present in population databases (gnomAD no frequency). This variant has not been reported in the literature in individuals affected with PDE6C-related conditions.